The following is an entry in ClinVar:

NM_017866.6(TMEM70):c.188T>G (p.Leu63Arg)

Gene: TMEM70 (transmembrane protein 70; plus strand). Cytogenetic location: 8q21.11.
Variant type: single nucleotide variant.
Coding change: c.188T>G on transcript NM_017866.6 (MANE Select); coding-DNA position 188, T replaced by G.
Protein change: p.Leu63Arg; replaces leucine 63 with arginine.
Molecular consequence: missense variant. On other transcripts: non-coding transcript variant (1).
Genome position (GRCh38, 1-based): chr8:73,976,469, T>G. VCF-style: chr8-73976469-T-G. GRCh37 (hg19) VCF-style: chr8-74888704-T-G.
Other names: c.188T>G, p.Leu63Arg (NM_001040613.3); short protein forms L63R.
Identifiers: ClinVar variation 2141216 (VCV002141216.4), dbSNP rs1815651341, ClinGen allele CA371489431.

ClinVar aggregate classification (germline): Uncertain significance (1 of 4 stars; one submission).

Conditions:
Mitochondrial complex V (ATP synthase) deficiency, nuclear type 2. Also called: ENCEPHALOCARDIOMYOPATHY, MITOCHONDRIAL, NEONATAL, DUE TO ATP SYNTHASE DEFICIENCY; MITOCHONDRIAL COMPLEX V (ATP SYNTHASE) DEFICIENCY, TMEM70 TYPE; Nuclear-Encoded ATPase Deficiency, TMEM70-Related. Identifiers: Orphanet 1194, MedGen C3279699, MONDO:0013546, OMIM 614052.

Allele frequency attached by ClinVar (database versions not stated): TOPMed below 0.00001; gnomAD 0.00001.

Submission:

Labcorp Genetics (formerly Invitae), Labcorp
Classification: Uncertain significance for Mitochondrial complex V (ATP synthase) deficiency, nuclear type 2. Last evaluated: 2022-03-13. Review status: criteria provided, single submitter. Criteria: Invitae Variant Classification Sherloc (09022015). Collection method: clinical testing. Allele origin: germline.
Comment: In summary, the available evidence is currently insufficient to determine the role of this variant in disease. Therefore, it has been classified as a Variant of Uncertain Significance. Algorithms developed to predict the effect of missense changes on protein structure and function (SIFT, PolyPhen-2, Align-GVGD) all suggest that this variant is likely to be tolerated. This variant has not been reported in the literature in individuals affected with TMEM70-related conditions. This variant is not present in population databases (gnomAD no frequency). This sequence change replaces leucine, which is neutral and non-polar, with arginine, which is basic and polar, at codon 63 of the TMEM70 protein (p.Leu63Arg).